The following is an entry in ClinVar:

NM_002460.4(IRF4):c.1274T>C (p.Leu425Pro)

Gene: IRF4 (interferon regulatory factor 4; plus strand). Cytogenetic location: 6p25.3.
Variant type: single nucleotide variant.
Coding change: c.1274T>C on transcript NM_002460.4 (MANE Select); coding-DNA position 1274, T replaced by C.
Protein change: p.Leu425Pro; replaces leucine 425 with proline.
Molecular consequence: missense variant. On other transcripts: non-coding transcript variant (1).
Genome position (GRCh38, 1-based): chr6:407,516, T>C. VCF-style: chr6-407516-T-C. GRCh37 (hg19) VCF-style: chr6-407516-T-C.
Other names: c.1271T>C, p.Leu424Pro (NM_001195286.2); short protein forms L424P, L425P.
Identifiers: ClinVar variation 2992276 (VCV002992276.3), dbSNP rs2480839379, ClinGen allele CA362551008.

ClinVar aggregate classification (germline): Uncertain significance (1 of 4 stars; one submission).

Submission:

Labcorp Genetics (formerly Invitae), Labcorp
Classification: Uncertain significance. Last evaluated: 2024-01-05. Review status: criteria provided, single submitter. Criteria: Invitae Variant Classification Sherloc (09022015). Collection method: clinical testing. Allele origin: germline.
Comment: This sequence change replaces leucine, which is neutral and non-polar, with proline, which is neutral and non-polar, at codon 425 of the IRF4 protein (p.Leu425Pro). This variant is not present in population databases (gnomAD no frequency). This variant has not been reported in the literature in individuals affected with IRF4-related conditions. An algorithm developed to predict the effect of missense changes on protein structure and function (PolyPhen-2) suggests that this variant is likely to be tolerated. In summary, the available evidence is currently insufficient to determine the role of this variant in disease. Therefore, it has been classified as a Variant of Uncertain Significance.